The following is an entry in ClinVar:

NM_000384.3(APOB):c.3235G>A (p.Val1079Ile)

Gene: APOB (apolipoprotein B; minus strand). Cytogenetic location: 2p24.1.
Variant type: single nucleotide variant.
Coding change: c.3235G>A on transcript NM_000384.3 (MANE Select); coding-DNA position 3235, G replaced by A.
Protein change: p.Val1079Ile; replaces valine 1079 with isoleucine.
Molecular consequence: missense variant.
Genome position (GRCh38, 1-based): chr2:21,016,536, C>T on the plus strand (G>A on the coding strand, the complement: APOB is on the minus strand). VCF-style: chr2-21016536-C-T. GRCh37 (hg19) VCF-style: chr2-21239408-C-T.
Other names: short protein forms V1079I.
Identifiers: ClinVar variation 2292041 (VCV002292041.3), dbSNP rs761810275, ClinGen allele CA058327.

ClinVar aggregate classification (germline): Uncertain significance (1 of 4 stars; one submission).

Conditions:
Cardiovascular phenotype. Identifiers: MedGen CN230736.

Allele frequency attached by ClinVar (database versions not stated): ExAC 0.00001; gnomAD 0.00001.
gnomAD v4.1: 1 of 1,603,828 alleles (0.000062%); highest among the groups gnomAD compares: East Asian, 0.0022%; no homozygotes.

Submission:

Ambry Genetics
Classification: Uncertain significance for Cardiovascular phenotype. Last evaluated: 2026-09-11. Review status: criteria provided, single submitter. Criteria: Ambry Variant Classification Scheme 2023. Collection method: clinical testing. Allele origin: germline.
Comment: The p.V1079I variant (also known as c.3235G>A), located in coding exon 21 of the APOB gene, results from a G to A substitution at nucleotide position 3235. The valine at codon 1079 is replaced by isoleucine, an amino acid with highly similar properties. This amino acid position is conserved. In addition, this alteration is predicted to be tolerated by in silico analysis. Based on the available evidence, the clinical significance of this variant remains unclear.